The following is an entry in ClinVar:

ClinVar aggregate classification (germline): Uncertain significance (1 of 4 stars; one submission).

Conditions:
Duane-radial ray syndrome (DRRS). Also called: Duane-Radial Ray Syndrome (DRRS) / Okihiro Syndrome; ACRORENOOCULAR SYNDROME; DR SYNDROME; DUANE ANOMALY WITH RADIAL RAY ABNORMALITIES AND DEAFNESS; Okihiro Syndrome; Duane-Radial Ray Syndrome/Okihiro Syndrome. Identifiers: Orphanet 93293, Orphanet 959, MedGen C1623209, MONDO:0011812, OMIM 607323. Disease mechanism: gain of function.

Allele frequency attached by ClinVar (database versions not stated): TOPMed 0.00003; gnomAD exomes below 0.00001; gnomAD 0.00003.
gnomAD v4.1: 6 of 1,614,086 alleles (0.00037%); highest among the groups gnomAD compares: African/African-American, 0.0053%; no homozygotes.

Submission:

Labcorp Genetics (formerly Invitae), Labcorp
Classification: Uncertain significance for Duane-radial ray syndrome. Last evaluated: 2019-11-19. Review status: criteria provided, single submitter. Criteria: Invitae Variant Classification Sherloc (09022015). Collection method: clinical testing. Allele origin: germline.
Comment: This sequence change replaces threonine with alanine at codon 1033 of the SALL4 protein (p.Thr1033Ala). The threonine residue is weakly conserved and there is a small physicochemical difference between threonine and alanine. This variant is not present in population databases (ExAC no frequency). This variant has not been reported in the literature in individuals with SALL4-related conditions. Algorithms developed to predict the effect of missense changes on protein structure and function output the following: SIFT: "Tolerated"; PolyPhen-2: "Benign"; Align-GVGD: "Class C0". The alanine amino acid residue is found in multiple mammalian species, suggesting that this missense change does not adversely affect protein function. These predictions have not been confirmed by published functional studies and their clinical significance is uncertain. In summary, the available evidence is currently insufficient to determine the role of this variant in disease. Therefore, it has been classified as a Variant of Uncertain Significance.

NM_020436.5(SALL4):c.3097A>G (p.Thr1033Ala)

Gene: SALL4 (spalt like transcription factor 4; minus strand). Cytogenetic location: 20q13.2.
Variant type: single nucleotide variant.
Coding change: c.3097A>G on transcript NM_020436.5 (MANE Select); coding-DNA position 3097, A replaced by G.
Protein change: p.Thr1033Ala; replaces threonine 1033 with alanine.
Molecular consequence: missense variant.
Genome position (GRCh38, 1-based): chr20:51,784,330, T>C on the plus strand (A>G on the coding strand, the complement: SALL4 is on the minus strand). VCF-style: chr20-51784330-T-C. GRCh37 (hg19) VCF-style: chr20-50400869-T-C.
Other names: c.1786A>G, p.Thr596Ala (NM_001318031.2); short protein forms T1033A, T596A.
Identifiers: ClinVar variation 856853 (VCV000856853.10), dbSNP rs943513953, ClinGen allele CA315365693.